The following is an entry in ClinVar:

ClinVar aggregate classification (germline): Uncertain significance (1 of 4 stars; one submission).

Conditions:
Early Myoclonic Encephalopathy. Identifiers: MedGen C0270855.

Allele frequency attached by ClinVar (database versions not stated): gnomAD exomes 0.00001; ExAC 0.00001; gnomAD 0.00001; TOPMed 0.00002; ESP Exome Variant Server 0.00008.
gnomAD v4.1: 17 of 1,606,492 alleles (0.0011%); highest among the groups gnomAD compares: Middle Eastern, 0.017%; no homozygotes.

Submission:

Labcorp Genetics (formerly Invitae), Labcorp
Classification: Uncertain significance for Early Myoclonic Encephalopathy. Last evaluated: 2024-01-07. Review status: criteria provided, single submitter. Criteria: Invitae Variant Classification Sherloc (09022015). Collection method: clinical testing. Allele origin: germline.
Comment: This sequence change replaces isoleucine, which is neutral and non-polar, with methionine, which is neutral and non-polar, at codon 1603 of the JMJD1C protein (p.Ile1603Met). This variant is present in population databases (rs199812957, gnomAD 0.003%). This variant has not been reported in the literature in individuals affected with JMJD1C-related conditions. Advanced modeling of protein sequence and biophysical properties (such as structural, functional, and spatial information, amino acid conservation, physicochemical variation, residue mobility, and thermodynamic stability) performed at Invitae indicates that this missense variant is not expected to disrupt JMJD1C protein function with a negative predictive value of 80%. In summary, the available evidence is currently insufficient to determine the role of this variant in disease. Therefore, it has been classified as a Variant of Uncertain Significance.

NM_032776.3(JMJD1C):c.4809A>G (p.Ile1603Met)

Gene: JMJD1C (jumonji domain containing 1C; minus strand). Cytogenetic location: 10q21.3.
Variant type: single nucleotide variant.
Coding change: c.4809A>G on transcript NM_032776.3 (MANE Select); coding-DNA position 4809, A replaced by G.
Protein change: p.Ile1603Met; replaces isoleucine 1603 with methionine.
Molecular consequence: missense variant. On other transcripts: non-coding transcript variant (1).
Genome position (GRCh38, 1-based): chr10:63,206,860, T>C on the plus strand (A>G on the coding strand, the complement: JMJD1C is on the minus strand). VCF-style: chr10-63206860-T-C. GRCh37 (hg19) VCF-style: chr10-64966620-T-C.
Other names: c.4263A>G, p.Ile1421Met (NM_001282948.2, NM_001318154.2); c.3945A>G, p.Ile1315Met (NM_001318153.2); c.4695A>G, p.Ile1565Met (NM_001322252.2); c.4152A>G, p.Ile1384Met (NM_001322254.2, NM_001322258.2); short protein forms I1565M, I1603M, I1384M, I1421M, I1315M.
Identifiers: ClinVar variation 2903482 (VCV002903482.3), dbSNP rs199812957, ClinGen allele CA5518205.
Genomic context (GRCh38, chr10:63,206,860, plus strand): 5'-TTCATAAGTTCTTTTGGCTTTTCTCCTGTTGACTTTATCATCTTTTACATATTTATCAAC[T>C]ATGATCTTACTATCTACACTATTTTGTATATCACTAGATGTAGAGGCTATTAAGTTGACA-3'
Protein context (NP_116165.1, residues 1593-1613): DIQNSVDSKI[Ile1603Met]VDKYVKDDKV